The following is an entry in ClinVar:

NM_006648.4(WNK2):c.3138G>C (p.Pro1046=)

Gene: WNK2 (WNK lysine deficient protein kinase 2; plus strand). Cytogenetic location: 9q22.31.
Variant type: single nucleotide variant.
Coding change: c.3138G>C on transcript NM_006648.4 (MANE Select); coding-DNA position 3138, G replaced by C.
Protein change: p.Pro1046=; no amino-acid change (proline 1046 retained).
Molecular consequence: synonymous variant.
Genome position (GRCh38, 1-based): chr9:93,261,885, G>C. VCF-style: chr9-93261885-G-C. GRCh37 (hg19) VCF-style: chr9-96024167-G-C.
Other names: c.3138G>C, p.Pro1046= (NM_001282394.3); c.3138G>C (NM_006648.3).
Identifiers: ClinVar variation 2659309 (VCV002659309.24), dbSNP rs758413292, ClinGen allele CA466346214.

ClinVar aggregate classification (germline): Likely benign. Review status: criteria provided, multiple submitters, no conflicts (2 of 4 stars). 2 submissions from 2 submitters: Likely benign (2). Last evaluated 2025-05-24.

Allele frequency attached by ClinVar (database versions not stated): TOPMed below 0.00001.

Submissions (2):

Ambry Genetics
Classification: Likely benign. Last evaluated: 2025-05-24. Review status: criteria provided, single submitter. Criteria: Ambry Variant Classification Scheme 2023. Collection method: clinical testing. Allele origin: germline.

CeGaT Center for Human Genetics Tuebingen
Classification: Likely benign. Last evaluated: 2022-09-01. Review status: criteria provided, single submitter. Criteria: CeGaT Center For Human Genetics Tuebingen Variant Classification Criteria Version 2. Collection method: clinical testing. Allele origin: germline. Affected: yes. Observed: 1 variant allele.
Comment: WNK2: PM2:Supporting, BP4, BP7